The following is an entry in ClinVar:

ClinVar aggregate classification (germline): Likely benign. Review status: criteria provided, single submitter (1 of 4 stars). 2 submissions from 2 submitters: Likely benign (1). 1 of the submissions does not count toward it. Last evaluated 2024-09-23.

Conditions:
CAPN10-related disorder. Also called: CAPN10-related disorders; CAPN10-related condition.

Allele frequency attached by ClinVar (database versions not stated): gnomAD exomes 0.00001.

Submissions (2):

Blueprint Genetics
Classification: Likely benign. Last evaluated: 2024-09-23. Review status: criteria provided, single submitter. Criteria: ACMG Guidelines, 2015. Collection method: clinical testing. Allele origin: germline.

PreventionGenetics, part of Exact Sciences
Classification: Likely benign for CAPN10-related condition. Last evaluated: 2019-05-28. Review status: no assertion criteria provided. Collection method: clinical testing. Allele origin: germline. Not counted in ClinVar's aggregate classification.
Comment: This variant is classified as likely benign based on ACMG/AMP sequence variant interpretation guidelines (Richards et al. 2015 PMID: 25741868, with internal and published modifications).

NM_023083.4(CAPN10):c.459G>A (p.Lys153=)

Gene: CAPN10 (calpain 10; plus strand). Cytogenetic location: 2q37.3.
Variant type: single nucleotide variant.
Coding change: c.459G>A on transcript NM_023083.4 (MANE Select); coding-DNA position 459, G replaced by A.
Protein change: p.Lys153=; no amino-acid change (lysine 153 retained).
Molecular consequence: synonymous variant.
Genome position (GRCh38, 1-based): chr2:240,591,000, G>A. VCF-style: chr2-240591000-G-A. GRCh37 (hg19) VCF-style: chr2-241530417-G-A.
Other names: c.459G>A, p.Lys153= (NM_023085.4).
Identifiers: ClinVar variation 3044959 (VCV003044959.3), dbSNP rs370194049, ClinGen allele CA68124274.